The following is an entry in ClinVar:

NM_004336.5(BUB1):c.2089G>A (p.Ala697Thr)

Gene: BUB1 (BUB1 mitotic checkpoint serine/threonine kinase; minus strand). Cytogenetic location: 2q13.
Variant type: single nucleotide variant.
Coding change: c.2089G>A on transcript NM_004336.5 (MANE Select); coding-DNA position 2089, G replaced by A.
Protein change: p.Ala697Thr; replaces alanine 697 with threonine.
Molecular consequence: missense variant.
Genome position (GRCh38, 1-based): chr2:110,650,660, C>T on the plus strand (G>A on the coding strand, the complement: BUB1 is on the minus strand). VCF-style: chr2-110650660-C-T. GRCh37 (hg19) VCF-style: chr2-111408237-C-T.
Other names: c.2029G>A, p.Ala677Thr (NM_001278616.2); c.2089G>A, p.Ala697Thr (NM_001278617.2); short protein forms A677T, A697T.
Identifiers: ClinVar variation 2565791 (VCV002565791.2), dbSNP rs768572140, ClinGen allele CA1827894.

ClinVar aggregate classification (germline): Uncertain significance (1 of 4 stars; one submission).

Allele frequency attached by ClinVar (database versions not stated): ExAC 0.00001; gnomAD 0.00001; gnomAD exomes 0.00001; TOPMed 0.00001.
gnomAD v4.1: 8 of 1,613,882 alleles (0.0005%); highest among the groups gnomAD compares: Non-Finnish European, 0.00068%; no homozygotes.

Submission:

Ambry Genetics
Classification: Uncertain significance. Last evaluated: 2023-04-16. Review status: criteria provided, single submitter. Criteria: Ambry Variant Classification Scheme 2023. Collection method: clinical testing. Allele origin: germline.
Comment: The p.A697T variant (also known as c.2089G>A), located in coding exon 18 of the BUB1 gene, results from a G to A substitution at nucleotide position 2089. The alanine at codon 697 is replaced by threonine, an amino acid with similar properties. This amino acid position is conserved. In addition, this alteration is predicted to be tolerated by in silico analysis. Since supporting evidence is limited at this time, the clinical significance of this alteration remains unclear.